The following is an entry in ClinVar:

NM_019848.5(SLC10A3):c.1136C>T (p.Ala379Val)

Gene: SLC10A3 (solute carrier family 10 member 3; minus strand). Cytogenetic location: Xq28.
Variant type: single nucleotide variant.
Coding change: c.1136C>T on transcript NM_019848.5 (MANE Select); coding-DNA position 1136, C replaced by T.
Protein change: p.Ala379Val; replaces alanine 379 with valine.
Molecular consequence: missense variant.
Genome position (GRCh38, 1-based): chrX:154,487,805, G>A on the plus strand (C>T on the coding strand, the complement: SLC10A3 is on the minus strand). VCF-style: chrX-154487805-G-A. GRCh37 (hg19) VCF-style: chrX-153716144-G-A.
Other names: c.1049C>T, p.Ala350Val (NM_001142391.3); c.1136C>T, p.Ala379Val (NM_001142392.3); short protein forms A350V, A379V.
Identifiers: ClinVar variation 2358491 (VCV002358491.26), dbSNP rs139014998, ClinGen allele CA10565511.

ClinVar aggregate classification (germline): Conflicting classifications of pathogenicity. Review status: criteria provided, conflicting classifications (1 of 4 stars). 2 submissions from 2 submitters: Uncertain significance (1); Likely benign (1). Last evaluated 2025-09-27.

Allele frequency attached by ClinVar (database versions not stated): ExAC 0.00008; TOPMed 0.00011; gnomAD 0.00012; gnomAD exomes 0.00019; ESP Exome Variant Server 0.00028.

Submissions (2):

Ambry Genetics
Classification: Uncertain significance. Last evaluated: 2025-09-27. Review status: criteria provided, single submitter. Criteria: Ambry Variant Classification Scheme 2023. Collection method: clinical testing. Allele origin: germline.

CeGaT Center for Human Genetics Tuebingen
Classification: Likely benign. Last evaluated: 2022-11-01. Review status: criteria provided, single submitter. Criteria: CeGaT Center For Human Genetics Tuebingen Variant Classification Criteria Version 2. Collection method: clinical testing. Allele origin: germline. Affected: yes. Observed: 1 variant allele.
Comment: SLC10A3: BP4, BS2